The following is an entry in ClinVar:

ClinVar aggregate classification (germline): Uncertain significance (3 of 4 stars; one submission).

Conditions:
Malignant hyperthermia, susceptibility to, 1 (MHS1). Also called: Anesthesia related hyperthermia; Malignant hyperpyrexia; Fulminating hyperpyrexia; Pharmacogenic myopathy; RYR1-Related Malignant Hyperthermia Susceptibility; Malignant hyperthermia suceptibility 1. Identifiers: Orphanet 423, MedGen C2930980, MONDO:0007783, OMIM 145600.

Allele frequency attached by ClinVar (database versions not stated): gnomAD exomes 0.00001 and 0.00002; ExAC 0.00002.
gnomAD v4.1: 6 of 1,613,684 alleles (0.00037%); highest among the groups gnomAD compares: East Asian, 0.011%; no homozygotes.

Submission:

ClinGen Malignant Hyperthermia Susceptibility Variant Curation Expert Panel, ClinGen
Classification: Uncertain significance for Malignant hyperthermia, susceptibility to, 1. Last evaluated: 2025-08-01. Review status: reviewed by expert panel. Criteria: ClinGen MHS ACMG Specifications V2. Collection method: curation. Allele origin: germline. Inheritance: Autosomal dominant inheritance.
Comment: This pathogenicity assessment is relevant only for malignant hyperthermia susceptibility (MHS) inherited in an autosomal dominant pattern. Variants in RYR1 can also cause other myopathies inherited in an autosomal dominant pattern or in an autosomal recessive pattern. Some of these disorders may predispose individuals to malignant hyperthermia. RYR1 variants may also contribute to a malignant hyperthermia reaction in combination with other genetic and non-genetic factors and the clinician needs to consider such factors in making management decisions. This sequence variant predicts a substitution of methionine with valine at codon 4022 of the RYR1 protein, p.(Met4022Val). The maximum allele frequency for this variant among the six major gnomAD populations is EAS: 0.00027, a frequency consistent with pathogenicity for MHS. This variant has been reported in an individual with a personal or family history of an MH episode without a positive in vitro contracture test (IVCT) or caffeine halothane contracture test (CHCT) result. As well, that individual harbored an additional variant in RYR1, p.(Arg2676Trp), PS4 was not implemented (PMID:21157159). No functional studies were identified for this variant. This variant does not reside in a hotspot for pathogenic variants that contribute to MHS. A REVEL score <0.5 (0.491) supports a benign status for this variant, BP4. This variant has been classified as a Variant of Unknown Significance. Criteria implemented: BP4.

NM_000540.3(RYR1):c.12064A>G (p.Met4022Val)

Gene: RYR1 (ryanodine receptor 1; plus strand). Cytogenetic location: 19q13.2.
Variant type: single nucleotide variant.
Coding change: c.12064A>G on transcript NM_000540.3 (MANE Select); coding-DNA position 12064, A replaced by G.
Protein change: p.Met4022Val; replaces methionine 4022 with valine.
Molecular consequence: missense variant.
Genome position (GRCh38, 1-based): chr19:38,546,496, A>G. VCF-style: chr19-38546496-A-G. GRCh37 (hg19) VCF-style: chr19-39037136-A-G.
Other names: c.12049A>G, p.Met4017Val (NM_001042723.2); short protein forms M4017V, M4022V.
Identifiers: ClinVar variation 1120227 (VCV001120227.3), dbSNP rs773040531, ClinGen allele CA058144.